The following is an entry in ClinVar:

ClinVar aggregate classification (germline): Uncertain significance (1 of 4 stars; one submission).

Conditions:
Cystic fibrosis (CF). Also called: MUCOVISCIDOSIS. Identifiers: Orphanet 586, MedGen C0010674, MONDO:0009061, OMIM 219700. Disease mechanism: loss of function.

Submission:

Ambry Genetics
Classification: Uncertain significance for Cystic fibrosis. Last evaluated: 2026-08-19. Review status: criteria provided, single submitter. Criteria: Ambry Variant Classification Scheme 2023. Collection method: clinical testing. Allele origin: germline.
Comment: The [(TG)10-7T; c.1210-12T>A] intronic variant results in a nucleotide change from TTTTTTT to ATTTTTT upstream from coding exon 10 in the CFTR gene. This nucleotide region is highly conserved in available vertebrate species. In silico splice site analysis for this alteration is inconclusive. Based on the available evidence, the clinical significance of this variant remains unclear.

NM_000492.4(CFTR):c.1210-12T>A

Genes: CFTR (CF transmembrane conductance regulator; plus strand), CFTR-AS1 (CFTR antisense RNA 1; minus strand). Cytogenetic location: 7q31.2.
Variant type: single nucleotide variant.
Coding change: c.1210-12T>A on transcript NM_000492.4 (MANE Select); 12 bases into the intron before coding-DNA position 1210, T replaced by A.
Molecular consequence: intron variant.
Genome position (GRCh38, 1-based): chr7:117,548,629, T>A. VCF-style: chr7-117548629-T-A. GRCh37 (hg19) VCF-style: chr7-117188683-T-A.
Identifiers: ClinVar variation 5034473 (VCV005034473.1).